The following is an entry in ClinVar:

NM_001999.4(FBN2):c.3273T>C (p.Asn1091=)

Gene: FBN2 (fibrillin 2; minus strand). Cytogenetic location: 5q23.3.
Variant type: single nucleotide variant.
Coding change: c.3273T>C on transcript NM_001999.4 (MANE Select); coding-DNA position 3273, T replaced by C.
Protein change: p.Asn1091=; no amino-acid change (asparagine 1091 retained).
Molecular consequence: synonymous variant.
Genome position (GRCh38, 1-based): chr5:128,344,455, A>G on the plus strand (T>C on the coding strand, the complement: FBN2 is on the minus strand). VCF-style: chr5-128344455-A-G. GRCh37 (hg19) VCF-style: chr5-127680147-A-G.
Identifiers: ClinVar variation 350782 (VCV000350782.25), dbSNP rs116741030, ClinGen allele CA3395281.

ClinVar aggregate classification (germline): Benign/Likely benign. Review status: criteria provided, multiple submitters, no conflicts (2 of 4 stars). 8 submissions from 8 submitters: Benign (6); Likely benign (2). Last evaluated 2026-02-04.

Conditions:
Familial thoracic aortic aneurysm and aortic dissection (TAAD). Also called: Thoracic aortic aneurysms and dissections. Identifiers: Orphanet 91387, MedGen C4707243, MONDO:0019625.
Congenital contractural arachnodactyly (CCA). Also called: Beals-Hecht syndrome; BEALS SYNDROME; Arthrogryposis, distal, type 9. Identifiers: Orphanet 115, MedGen C0220668, MONDO:0007363, OMIM 121050.

Allele frequency attached by ClinVar (database versions not stated): gnomAD 0.00090 and 0.00096; TOPMed 0.00101; 1000 Genomes Project 0.00160; 1000 Genomes Project 30x 0.00172; gnomAD exomes 0.00010 and 0.00022; ExAC 0.00028; ESP Exome Variant Server 0.00062.
gnomAD v4.1: 282 of 1,613,402 alleles (0.017%); highest among the groups gnomAD compares: African/African-American, 0.35%; no homozygotes.

Submissions (8):

Labcorp Genetics (formerly Invitae), Labcorp
Classification: Benign for Congenital contractural arachnodactyly. Last evaluated: 2026-02-04. Review status: criteria provided, single submitter. Criteria: Invitae Variant Classification Sherloc (09022015). Collection method: clinical testing. Allele origin: germline.

CeGaT Center for Human Genetics Tuebingen
Classification: Likely benign. Last evaluated: 2025-09-01. Review status: criteria provided, single submitter. Criteria: CeGaT Center For Human Genetics Tuebingen Variant Classification Criteria Version 2. Collection method: clinical testing. Allele origin: germline. Affected: yes. Observed: 1 variant allele.
Comment: FBN2: BP4, BP7

Blueprint Genetics
Classification: Likely benign. Last evaluated: 2023-11-13. Review status: criteria provided, single submitter. Criteria: ACMG Guidelines, 2015. Collection method: clinical testing. Allele origin: germline.

ARUP Laboratories, Molecular Genetics and Genomics, ARUP Laboratories
Classification: Benign. Last evaluated: 2023-10-18. Review status: criteria provided, single submitter. Criteria: ARUP Molecular Germline Variant Investigation Process 2024. Collection method: clinical testing. Allele origin: germline.

Women's Health and Genetics/Laboratory Corporation of America, LabCorp
Classification: Benign. Last evaluated: 2023-07-21. Review status: criteria provided, single submitter. Criteria: LabCorp Variant Classification Summary - May 2015. Collection method: clinical testing. Allele origin: germline.

Ambry Genetics
Classification: Benign for Familial thoracic aortic aneurysm and aortic dissection. Last evaluated: 2020-09-23. Review status: criteria provided, single submitter. Criteria: Ambry Variant Classification Scheme 2023. Collection method: clinical testing. Allele origin: germline.

Illumina Laboratory Services, Illumina
Classification: Benign for Congenital contractural arachnodactyly. Last evaluated: 2018-01-13. Review status: criteria provided, single submitter. Criteria: ICSL Variant Classification Criteria 13 December 2019. Collection method: clinical testing. Allele origin: germline.
Comment: This variant was observed in the ICSL laboratory as part of a predisposition screen in an ostensibly healthy population. It had not been previously curated by ICSL or reported in the Human Gene Mutation Database (HGMD: prior to June 1st, 2018), and was therefore a candidate for classification through an automated scoring system. Utilizing variant allele frequency, disease prevalence and penetrance estimates, and inheritance mode, an automated score was calculated to assess if this variant is too frequent to cause the disease. Based on the score and internal cut-off values, a variant classified as benign is not then subjected to further curation. The score for this variant resulted in a classification of benign for this disease.

GeneDx
Classification: Benign. Last evaluated: 2017-02-16. Review status: criteria provided, single submitter. Criteria: GeneDx Variant Classification (06012015). Collection method: clinical testing. Allele origin: germline. Affected: yes.
Comment: This variant is considered likely benign or benign based on one or more of the following criteria: it is a conservative change, it occurs at a poorly conserved position in the protein, it is predicted to be benign by multiple in silico algorithms, and/or has population frequency not consistent with disease.